The following is an entry in ClinVar:

NM_001370259.2(MEN1):c.1828C>G (p.Leu610Val)

Gene: MEN1 (menin 1; minus strand). Cytogenetic location: 11q13.1.
Variant type: single nucleotide variant.
Coding change: c.1828C>G on transcript NM_001370259.2 (MANE Select); coding-DNA position 1828, C replaced by G.
Protein change: p.Leu610Val; replaces leucine 610 with valine.
Molecular consequence: missense variant.
Genome position (GRCh38, 1-based): chr11:64,804,339, G>C on the plus strand (C>G on the coding strand, the complement: MEN1 is on the minus strand). VCF-style: chr11-64804339-G-C. GRCh37 (hg19) VCF-style: chr11-64571811-G-C.
Other names: c.1843C>G, p.Leu615Val (NM_000244.4, NM_001407145.1, NM_130800.3 and 4 more transcripts); c.1954C>G, p.Leu652Val (NM_001370251.2, NM_001407142.1, NM_001407143.1 and 1 more transcripts); c.1828C>G, p.Leu610Val (NM_001370260.2, NM_001370261.2, NM_001407146.1 and 2 more transcripts); c.1723C>G, p.Leu575Val (NM_001370262.2, NM_001370263.2, NM_001407148.1 and 1 more transcripts); c.1969C>G, p.Leu657Val (NM_001407150.1); c.1849C>G, p.Leu617Val (NM_001407151.1); c.1663C>G, p.Leu555Val (NM_001407152.1); short protein forms L617V, L652V, L657V, L575V, L615V, L555V, L610V.
Identifiers: ClinVar variation 1780880 (VCV001780880.3), dbSNP rs1941484511, ClinGen allele CA381177017.
Genomic context (GRCh38, chr11:64,804,339, plus strand): 5'-GGGGGACTAAGGGCGGAGCCTGGGTCCCCACAAGCGGTCCGAAGTCCCCAGTAGTTCAGA[G>C]GCCTTTGCGCTGCCGCTTGAGGAAAGACAGAGTGTAGTCACTAGGGGTGGACACTTTCTG-3'
Protein context (NP_001357188.2, residues 600-610): LSFLKRQRKG[Leu610Val]

ClinVar aggregate classification (germline): Uncertain significance (1 of 4 stars; one submission).

Conditions:
Hereditary cancer-predisposing syndrome. Also called: Neoplastic Syndromes, Hereditary; Tumor predisposition; Hereditary Cancer Syndrome; Hereditary neoplastic syndrome. Identifiers: Orphanet 140162, MedGen C0027672, MeSH D009386, MONDO:0015356.

Allele frequency attached by ClinVar (database versions not stated): gnomAD exomes below 0.00001.
gnomAD v4.1: 2 of 1,614,204 alleles (0.00012%); highest among the groups gnomAD compares: Non-Finnish European, 0.00017%; no homozygotes.

Submission:

Ambry Genetics
Classification: Uncertain significance for Hereditary cancer-predisposing syndrome. Last evaluated: 2025-05-27. Review status: criteria provided, single submitter. Criteria: Ambry Variant Classification Scheme 2023. Collection method: clinical testing. Allele origin: germline.
Comment: The p.L610V variant (also known as c.1828C>G), located in coding exon 9 of the MEN1 gene, results from a C to G substitution at nucleotide position 1828. The leucine at codon 610 is replaced by valine, an amino acid with highly similar properties. This amino acid position is well conserved in available vertebrate species. In addition, this alteration is predicted to be tolerated by in silico analysis. Based on the available evidence, the clinical significance of this variant remains unclear.